The following is an entry in ClinVar:

ClinVar aggregate classification (germline): Uncertain significance. Review status: criteria provided, multiple submitters, no conflicts (2 of 4 stars). 2 submissions from 2 submitters: Uncertain significance (2). Last evaluated 2025-07-21.

Allele frequency attached by ClinVar (database versions not stated): ExAC 0.00002; gnomAD exomes 0.00003; ESP Exome Variant Server 0.00015; gnomAD 0.00015 and 0.00016; TOPMed 0.00017; 1000 Genomes Project 0.00020; 1000 Genomes Project 30x 0.00031.
gnomAD v4.1: 38 of 1,614,112 alleles (0.0024%); highest among the groups gnomAD compares: African/African-American, 0.027%; no homozygotes.

Submissions (2):

Labcorp Genetics (formerly Invitae), Labcorp
Classification: Uncertain significance. Last evaluated: 2025-07-21. Review status: criteria provided, single submitter. Criteria: Invitae Variant Classification Sherloc (09022015). Collection method: clinical testing. Allele origin: germline.
Comment: This sequence change replaces glycine, which is neutral and non-polar, with serine, which is neutral and polar, at codon 59 of the PLTP protein (p.Gly59Ser). This variant is present in population databases (rs139898818, gnomAD 0.02%). This variant has not been reported in the literature in individuals affected with PLTP-related conditions. ClinVar contains an entry for this variant (Variation ID: 1399822). An algorithm developed to predict the effect of missense changes on protein structure and function (PolyPhen-2) suggests that this variant is likely to be disruptive. In summary, the available evidence is currently insufficient to determine the role of this variant in disease. Therefore, it has been classified as a Variant of Uncertain Significance.

Ambry Genetics
Classification: Uncertain significance. Last evaluated: 2024-01-09. Review status: criteria provided, single submitter. Criteria: Ambry Variant Classification Scheme 2023. Collection method: clinical testing. Allele origin: germline.

NM_006227.4(PLTP):c.175G>A (p.Gly59Ser)

Gene: PLTP (phospholipid transfer protein; minus strand). Cytogenetic location: 20q13.12.
Variant type: single nucleotide variant.
Coding change: c.175G>A on transcript NM_006227.4 (MANE Select); coding-DNA position 175, G replaced by A.
Protein change: p.Gly59Ser; replaces glycine 59 with serine.
Molecular consequence: missense variant.
Genome position (GRCh38, 1-based): chr20:45,911,177, C>T on the plus strand (G>A on the coding strand, the complement: PLTP is on the minus strand). VCF-style: chr20-45911177-C-T. GRCh37 (hg19) VCF-style: chr20-44539816-C-T.
Other names: c.175G>A (NM_006227.3); c.175G>A, p.Gly59Ser (NM_001242920.2, NM_182676.3); short protein forms G59S.
Identifiers: ClinVar variation 1399822 (VCV001399822.7), dbSNP rs139898818, ClinGen allele CA9883994.